The following is an entry in ClinVar:

NM_016247.4(IMPG2):c.3113G>T (p.Cys1038Phe)

Gene: IMPG2 (interphotoreceptor matrix proteoglycan 2; minus strand). Cytogenetic location: 3q12.3.
Variant type: single nucleotide variant.
Coding change: c.3113G>T on transcript NM_016247.4 (MANE Select); coding-DNA position 3113, G replaced by T.
Protein change: p.Cys1038Phe; replaces cysteine 1038 with phenylalanine.
Molecular consequence: missense variant.
Genome position (GRCh38, 1-based): chr3:101,232,901, C>A on the plus strand (G>T on the coding strand, the complement: IMPG2 is on the minus strand). VCF-style: chr3-101232901-C-A. GRCh37 (hg19) VCF-style: chr3-100951745-C-A.
Other names: short protein forms C1038F.
Identifiers: ClinVar variation 866317 (VCV000866317.3), dbSNP rs1706305751, ClinGen allele CA353850231.

ClinVar aggregate classification (germline): Conflicting classifications of pathogenicity. Review status: criteria provided, conflicting classifications (1 of 4 stars). 2 submissions from 2 submitters: Likely pathogenic (1); Uncertain significance (1). Last evaluated 2021-04-08.

Conditions:
IMPG2-related disorders.
Retinitis pigmentosa 56 (RP56). Identifiers: Orphanet 791, MedGen C3150819, MONDO:0013314, OMIM 613581.

Allele frequency attached by ClinVar (database versions not stated): gnomAD exomes below 0.00001.
gnomAD v4.1: 2 of 1,613,954 alleles (0.00012%); highest among the groups gnomAD compares: Non-Finnish European, 0.00017%; no homozygotes.

Submissions (2):

Ocular Genomics Institute, Massachusetts Eye and Ear
Classification: Uncertain significance for Retinitis pigmentosa 56. Last evaluated: 2021-04-08. Review status: criteria provided, single submitter. Criteria: ACMG Guidelines, 2015. Collection method: research. Allele origin: germline. Affected: yes.
Comment: Through a review of available evidence we were able to apply the following criteria: PM2. Based on this evidence we have classified this variant as Variant of Uncertain Significance.

Blueprint Genetics
Classification: Likely pathogenic for IMPG2-related disorders. Last evaluated: 2019-03-15. Review status: criteria provided, single submitter. Criteria: ACMG Guidelines, 2015. Collection method: clinical testing. Allele origin: germline. Affected: yes. Observed: 1 variant allele.